The following is an entry in ClinVar:

NM_017777.4(MKS1):c.1613G>C (p.Arg538Pro)

Gene: MKS1 (MKS transition zone complex subunit 1; minus strand). Cytogenetic location: 17q22.
Variant type: single nucleotide variant.
Coding change: c.1613G>C on transcript NM_017777.4 (MANE Select); coding-DNA position 1613, G replaced by C.
Protein change: p.Arg538Pro; replaces arginine 538 with proline.
Molecular consequence: missense variant. On other transcripts: synonymous variant (1), 3 prime UTR variant (1).
Genome position (GRCh38, 1-based): chr17:58,206,146, C>G on the plus strand (G>C on the coding strand, the complement: MKS1 is on the minus strand). VCF-style: chr17-58206146-C-G. GRCh37 (hg19) VCF-style: chr17-56283507-C-G.
Other names: c.1004G>C, p.Arg335Pro (NM_001321268.2); c.1530G>C, p.Pro510= (NM_001321269.2); c.*25G>C (NM_001330397.2); short protein forms R335P, R538P.
Identifiers: ClinVar variation 1899767 (VCV001899767.2), dbSNP rs557678962, ClinGen allele CA400324291.

ClinVar aggregate classification (germline): Uncertain significance (1 of 4 stars; one submission).

Conditions:
Meckel-Gruber syndrome. Also called: DYSENCEPHALIA SPLANCHNOCYSTICA; GRUBER SYNDROME; Dysencephalia splachnocystica. Identifiers: Orphanet 564, MedGen C0265215, MONDO:0018921.
Joubert syndrome. Also called: CEREBELLOPARENCHYMAL DISORDER IV; JOUBERT-BOLTSHAUSER SYNDROME; Familial aplasia of the vermis. Identifiers: Orphanet 475, MedGen C5979921, MONDO:0018772.

Submission:

Labcorp Genetics (formerly Invitae), Labcorp
Classification: Uncertain significance for Joubert syndrome; Meckel-Gruber syndrome. Last evaluated: 2022-04-03. Review status: criteria provided, single submitter. Criteria: Invitae Variant Classification Sherloc (09022015). Collection method: clinical testing. Allele origin: germline.
Comment: This sequence change replaces arginine, which is basic and polar, with proline, which is neutral and non-polar, at codon 538 of the MKS1 protein (p.Arg538Pro). This variant is not present in population databases (gnomAD no frequency). This variant has not been reported in the literature in individuals affected with MKS1-related conditions. Advanced modeling of protein sequence and biophysical properties (such as structural, functional, and spatial information, amino acid conservation, physicochemical variation, residue mobility, and thermodynamic stability) performed at Invitae indicates that this missense variant is expected to disrupt MKS1 protein function. In summary, the available evidence is currently insufficient to determine the role of this variant in disease. Therefore, it has been classified as a Variant of Uncertain Significance.